The following is an entry in ClinVar:

ClinVar aggregate classification (germline): Pathogenic/Likely pathogenic. Review status: criteria provided, multiple submitters, no conflicts (2 of 4 stars). 5 submissions from 5 submitters: Pathogenic (4); Likely pathogenic (1). Last evaluated 2025-09-30.

Conditions:
Hereditary cancer-predisposing syndrome. Also called: Hereditary Cancer Syndrome; Hereditary neoplastic syndrome; Neoplastic Syndromes, Hereditary; Tumor predisposition. Identifiers: Orphanet 140162, MedGen C0027672, MeSH D009386, MONDO:0015356.
Familial adenomatous polyposis 1 (FAP1). Also called: POLYPOSIS, ADENOMATOUS INTESTINAL; FAMILIAL ADENOMATOUS POLYPOSIS 1, ATTENUATED. Identifiers: MedGen C2713442, MONDO:0021056, OMIM 175100. Disease mechanism: loss of function.

Submissions (5):

Ambry Genetics
Classification: Pathogenic for Hereditary cancer-predisposing syndrome. Last evaluated: 2025-09-30. Review status: criteria provided, single submitter. Criteria: Ambry Variant Classification Scheme 2023. Collection method: clinical testing. Allele origin: germline.
Comment: The c.532-1G>A intronic pathogenic mutation results from a G to A substitution one nucleotide upstream from coding exon 5 of the APC gene. This alteration has been observed in individuals with a personal and/or family history that is consistent with APC-related disease (Wallis YL et al. J Med Genet, 1999 Jan;36:14-20; Lagarde A et al. J Med Genet, 2010 Oct;47:721-2; Ambry internal data). RNA studies have demonstrated that this alteration results in abnormal splicing in the set of samples tested (Ambry internal data). In addition to the clinical data presented in the literature, alterations that disrupt the canonical splice site are expected to cause aberrant splicing, resulting in an abnormal protein or a transcript that is subject to nonsense-mediated mRNA decay. As such, this alteration is interpreted as a disease-causing mutation.

Labcorp Genetics (formerly Invitae), Labcorp
Classification: Pathogenic for Familial adenomatous polyposis 1. Last evaluated: 2024-02-02. Review status: criteria provided, single submitter. Criteria: Invitae Variant Classification Sherloc (09022015). Collection method: clinical testing. Allele origin: germline.
Comment: This sequence change affects an acceptor splice site in intron 5 of the APC gene. It is expected to disrupt RNA splicing. Variants that disrupt the donor or acceptor splice site typically lead to a loss of protein function (PMID: 16199547), and loss-of-function variants in APC are known to be pathogenic (PMID: 17963004, 20685668). This variant is not present in population databases (gnomAD no frequency). Disruption of this splice site has been observed in individuals with familial adenomatous polyposis (PMID: 9950360, 20685668). ClinVar contains an entry for this variant (Variation ID: 439410). Algorithms developed to predict the effect of sequence changes on RNA splicing suggest that this variant may disrupt the consensus splice site. For these reasons, this variant has been classified as Pathogenic.

Baylor Genetics
Classification: Pathogenic for Familial adenomatous polyposis 1. Last evaluated: 2023-08-01. Review status: criteria provided, single submitter. Criteria: ACMG Guidelines, 2015. Collection method: clinical testing. Allele origin: unknown.

Myriad Genetics, Inc.
Classification: Likely pathogenic for Familial adenomatous polyposis 1. Last evaluated: 2023-04-26. Review status: criteria provided, single submitter. Criteria: Myriad Autosomal Dominant, Autosomal Recessive and X-Linked Classification Criteria (2023). Collection method: clinical testing. Allele origin: unknown.
Comment: This variant is considered likely pathogenic. This variant occurs within a consensus splice junction and is predicted to result in abnormal mRNA splicing of either an out-of-frame exon or an in-frame exon necessary for protein stability and/or normal function.

ARUP Laboratories, Molecular Genetics and Genomics, ARUP Laboratories
Classification: Pathogenic. Last evaluated: 2017-01-13. Review status: criteria provided, single submitter. Criteria: ARUP Molecular Germline Variant Investigation Process. Collection method: clinical testing. Allele origin: germline.

Literature cited by the submitters: PubMed 20685668 (cited by Ambry Genetics and Labcorp Genetics (formerly Invitae), Labcorp); PubMed 9950360 (cited by Ambry Genetics and Labcorp Genetics (formerly Invitae), Labcorp); PubMed 16199547 (cited by Labcorp Genetics (formerly Invitae), Labcorp); PubMed 17963004 (cited by Labcorp Genetics (formerly Invitae), Labcorp).

NM_000038.6(APC):c.532-1G>A

Gene: APC (APC regulator of Wnt signaling pathway; plus strand). Cytogenetic location: 5q22.2.
Variant type: single nucleotide variant.
Coding change: c.532-1G>A on transcript NM_000038.6 (MANE Select); the canonical splice acceptor site of the intron before coding-DNA position 532, G replaced by A.
Molecular consequence: splice acceptor variant.
Genome position (GRCh38, 1-based): chr5:112,780,789, G>A. VCF-style: chr5-112780789-G-A. GRCh37 (hg19) VCF-style: chr5-112116486-G-A.
Other names: c.-504-1G>A (NM_001407470.1, NM_001407472.1, NM_001354906.2 and 1 more transcripts); c.532-1G>A (NM_001407447.1, NM_001354895.2, NM_001407456.1 and 16 more transcripts); c.562-1G>A (NM_001407446.1, NM_001354897.2, NM_001354902.2 and 1 more transcripts); c.355-1G>A (NM_001407453.1, NM_001354900.2, NM_001354901.2 and 1 more transcripts); c.457-1G>A (NM_001407451.1, NM_001354898.2, NM_001354904.2).
Identifiers: ClinVar variation 439410 (VCV000439410.22), dbSNP rs1554072547, ClinGen allele CA360617495.